The following is an entry in ClinVar:

ClinVar aggregate classification (germline): Likely pathogenic (1 of 4 stars; one submission).

Submission:

CeGaT Center for Human Genetics Tuebingen
Classification: Likely pathogenic. Last evaluated: 2025-11-01. Review status: criteria provided, single submitter. Criteria: CeGaT Center For Human Genetics Tuebingen Variant Classification Criteria Version 2. Collection method: clinical testing. Allele origin: germline. Affected: yes. Observed: 5 variant alleles.
Comment: KCNQ1: PVS1:Strong, PM2

NM_000218.3(KCNQ1):c.1764_1765insA (p.Gly589fs)

Gene: KCNQ1 (potassium voltage-gated channel subfamily Q member 1; plus strand). Cytogenetic location: 11p15.5.
Variant type: Insertion.
Coding change: c.1764_1765insA on transcript NM_000218.3 (MANE Select); coding-DNA positions 1764 to 1765, A inserted.
Protein change: p.Gly589fs; shifts the reading frame from glycine 589.
Molecular consequence: frameshift variant.
Genome position: GRCh38 VCF-style: chr11-2778007-C-CA. GRCh37 (hg19) VCF-style: chr11-2799237-C-CA.
Other names: c.1668_1669insA, p.Gly557fs (NM_001406836.1); c.1494_1495insA, p.Gly499fs (NM_001406837.1); c.1224_1225insA, p.Gly409fs (NM_001406838.1); c.276_277insA, p.Gly93fs (NM_001406839.1); c.1383_1384insA, p.Gly462fs (NM_181798.2); short protein forms G409fs, G462fs, G499fs, G557fs, G589fs, G93fs.
Identifiers: ClinVar variation 4084700 (VCV004084700.8).